The following is an entry in ClinVar:

NM_000726.5(CACNB4):c.*1459T>C

Gene: CACNB4 (calcium voltage-gated channel auxiliary subunit beta 4; minus strand). Cytogenetic location: 2q23.3.
Variant type: single nucleotide variant.
Coding change: c.*1459T>C on transcript NM_000726.5 (MANE Select); 1459 bases downstream of the stop codon, T replaced by C.
Molecular consequence: 3 prime UTR variant.
Genome position (GRCh38, 1-based): chr2:151,837,660, A>G on the plus strand (T>C on the coding strand, the complement: CACNB4 is on the minus strand). VCF-style: chr2-151837660-A-G. GRCh37 (hg19) VCF-style: chr2-152694174-A-G.
Other names: c.*1459T>C (NM_001005746.4, NM_001005747.4, NM_001145798.3 and 7 more transcripts).
Identifiers: ClinVar variation 331607 (VCV000331607.6), dbSNP rs114958916, ClinGen allele CA10611406.

ClinVar aggregate classification (germline): Likely benign (1 of 4 stars; one submission).

Conditions:
Episodic ataxia type 5. Identifiers: Orphanet 211067, MedGen C1866039, MONDO:0013464, OMIM 613855.

Allele frequency attached by ClinVar (database versions not stated): 1000 Genomes Project 0.00938; 1000 Genomes Project 30x 0.00968; gnomAD 0.01004 and 0.01102; TOPMed 0.01167.

Submission:

Illumina Laboratory Services, Illumina
Classification: Likely benign for Episodic ataxia type 5. Last evaluated: 2017-04-27. Review status: criteria provided, single submitter. Criteria: ICSL Variant Classification Criteria 13 December 2019. Collection method: clinical testing. Allele origin: germline.
Comment: This variant was observed as part of a predisposition screen in an ostensibly healthy population. A literature search was performed for the gene, cDNA change, and amino acid change (where applicable). No publications were found based on this search. Allele frequency data from public databases allowed determination this variant is unlikely to cause disease. Therefore, this variant is classified as likely benign.